The following is an entry in ClinVar:

NM_153460.4(IL17RC):c.661G>A (p.Val221Met)

Gene: IL17RC (interleukin 17 receptor C; plus strand). Cytogenetic location: 3p25.3.
Variant type: single nucleotide variant.
Coding change: c.661G>A on transcript NM_153460.4 (MANE Select); coding-DNA position 661, G replaced by A.
Protein change: p.Val221Met; replaces valine 221 with methionine.
Molecular consequence: missense variant. On other transcripts: non-coding transcript variant (1).
Genome position (GRCh38, 1-based): chr3:9,923,919, G>A. VCF-style: chr3-9923919-G-A. GRCh37 (hg19) VCF-style: chr3-9965603-G-A.
Other names: c.661G>A, p.Val221Met (NM_001203263.2, NM_001203264.2, NM_001367278.1); c.616G>A, p.Val206Met (NM_001203265.2, NM_001367280.1, NM_001410711.1 and 1 more transcripts); c.541G>A, p.Val181Met (NM_001367279.1); c.874G>A, p.Val292Met (NM_153461.4); short protein forms V206M, V292M, V181M, V221M.
Identifiers: ClinVar variation 4699053 (VCV004699053.1).
Genomic context (GRCh38, chr3:9,923,919, plus strand): 5'-CTCTCTTTGCCTCTCCCACCAGCCCTGCCCTGGCTCAACGTGTCAGCAGATGGTGACAAC[G>A]TGCATCTGGTTCTGAATGTCTCTGAGGAGCAGCACTTCGGCCTCTCCCTGTACTGGAATC-3'
Protein context (NP_703190.2, residues 211-231): WLNVSADGDN[Val221Met]HLVLNVSEEQ

ClinVar aggregate classification (germline): Uncertain significance (1 of 4 stars; one submission).

Conditions:
Candidiasis, familial, 9 (CANDF9). Identifiers: Orphanet 1334, MedGen C4225324, MONDO:0014642, OMIM 616445.

gnomAD v4.1: 39 of 1,614,154 alleles (0.0024%); highest among the groups gnomAD compares: South Asian, 0.019%; 1 homozygote.

Submission:

Labcorp Genetics (formerly Invitae), Labcorp
Classification: Uncertain significance for Candidiasis, familial, 9. Last evaluated: 2025-10-09. Review status: criteria provided, single submitter. Criteria: Invitae Variant Classification Sherloc (09022015). Collection method: clinical testing. Allele origin: germline.
Comment: This sequence change replaces valine, which is neutral and non-polar, with methionine, which is neutral and non-polar, at codon 292 of the IL17RC protein (p.Val292Met). This variant is present in population databases (rs777119730, gnomAD 0.03%). This variant has not been reported in the literature in individuals affected with IL17RC-related conditions. An algorithm developed to predict the effect of missense changes on protein structure and function outputs the following: PolyPhen-2: "Benign". The methionine amino acid residue is found in multiple mammalian species, which suggests that this missense change does not adversely affect protein function. In summary, the available evidence is currently insufficient to determine the role of this variant in disease. Therefore, it has been classified as a Variant of Uncertain Significance.